The following is an entry in ClinVar:

ClinVar aggregate classification (germline): Pathogenic (1 of 4 stars; one submission).

Conditions:
Primary ciliary dyskinesia. Also called: Ciliary dyskinesia. Identifiers: Orphanet 244, MedGen C0008780, MONDO:0016575, HP:0012265.

Submission:

Labcorp Genetics (formerly Invitae), Labcorp
Classification: Pathogenic for Primary ciliary dyskinesia. Last evaluated: 2022-08-06. Review status: criteria provided, single submitter. Criteria: Invitae Variant Classification Sherloc (09022015). Collection method: clinical testing. Allele origin: germline.
Comment: For these reasons, this variant has been classified as Pathogenic. Algorithms developed to predict the effect of sequence changes on RNA splicing suggest that this variant may disrupt the consensus splice site. ClinVar contains an entry for this variant (Variation ID: 969610). This variant has not been reported in the literature in individuals affected with DNAI2-related conditions. This variant is not present in population databases (gnomAD no frequency). This sequence change creates a premature translational stop signal (p.Lys562Argfs*7) in the DNAI2 gene. It is expected to result in an absent or disrupted protein product. Loss-of-function variants in DNAI2 are known to be pathogenic (PMID: 18950741, 23891469).

Literature cited by the submitters: PubMed 18950741; PubMed 23891469.

NM_023036.6(DNAI2):c.1683del (p.Lys562fs)

Gene: DNAI2 (dynein axonemal intermediate chain 2; plus strand). Cytogenetic location: 17q25.1.
Variant type: Deletion.
Coding change: c.1683del on transcript NM_023036.6 (MANE Select); coding-DNA position 1683, one base deleted (G; older notation c.1683delG).
Protein change: p.Lys562fs; shifts the reading frame from lysine 562.
Molecular consequence: frameshift variant.
Genome position (GRCh38, 1-based): chr17:74,312,191, G deleted. VCF-style (leftmost placement, unchanged base first): chr17-74312190-AG-A. GRCh37 (hg19) VCF-style: chr17-72308329-AG-A.
Other names: c.1647del, p.Lys550fs (NM_001172810.3); c.1683del, p.Lys562fs (NM_001353167.2); short protein forms K550fs, K562fs.
Identifiers: ClinVar variation 969610 (VCV000969610.8), dbSNP rs2053566684, ClinGen allele CA1139665871.
Genomic context (GRCh38, chr17:74,312,190, plus strand): 5'-TGGAGGCGCTGGTCAGCAAGGCCGAGGAGGAGTTCTTCGACATCATCTTCGCAGAGCTGA[AG>A]AAGAAGGAGGCAGACGCCATAAAGCTGACGCCAGTGCCTGTAGGGGCCTGGACAGGGGTT-3'